The following is an entry in ClinVar:

ClinVar aggregate classification (germline): Conflicting classifications of pathogenicity. Review status: criteria provided, conflicting classifications (1 of 4 stars). 8 submissions from 8 submitters: Uncertain significance (1); Benign (3); Likely benign (3). 1 of the submissions does not count toward it. Last evaluated 2026-02-02.

Conditions:
Cardiovascular phenotype. Identifiers: MedGen CN230736.
NEBL-related disorder. Also called: NEBL-related condition.
Primary dilated cardiomyopathy (DCM). Also called: Dilated Cardiomyopathy. Identifiers: Orphanet 217604, MedGen C0007193, MeSH D002311, MONDO:0005021, HP:0001644. Inheritance: Various modes of inheritance.

Allele frequency attached by ClinVar (database versions not stated): 1000 Genomes Project 0.00140; 1000 Genomes Project 30x 0.00156; gnomAD 0.00381 and 0.00382; ExAC 0.00386; TOPMed 0.00393; gnomAD exomes 0.00413; ESP Exome Variant Server 0.00515.
gnomAD v4.1: 8,826 of 1,607,010 alleles (0.55%); highest among the groups gnomAD compares: Non-Finnish European, 0.67%; 35 homozygotes.

Submissions (8):

Labcorp Genetics (formerly Invitae), Labcorp
Classification: Benign for Primary dilated cardiomyopathy. Last evaluated: 2026-02-02. Review status: criteria provided, single submitter. Criteria: Invitae Variant Classification Sherloc (09022015). Collection method: clinical testing. Allele origin: germline.

Women's Health and Genetics/Laboratory Corporation of America, LabCorp
Classification: Likely benign. Last evaluated: 2023-04-17. Review status: criteria provided, single submitter. Criteria: LabCorp Variant Classification Summary - May 2015. Collection method: clinical testing. Allele origin: germline.

CeGaT Center for Human Genetics Tuebingen
Classification: Benign. Last evaluated: 2022-06-01. Review status: criteria provided, single submitter. Criteria: CeGaT Center For Human Genetics Tuebingen Variant Classification Criteria Version 2. Collection method: clinical testing. Allele origin: germline. Affected: yes. Observed: 1 variant allele.
Comment: NEBL: BS1, BS2

GeneDx
Classification: Benign. Last evaluated: 2020-09-04. Review status: criteria provided, single submitter. Criteria: GeneDx Variant Classification Process June 2021. Collection method: clinical testing. Allele origin: germline. Affected: yes.
Comment: This variant is associated with the following publications: (PMID: 23299917, 21430528, 24082139, 27186169, 26321576, 25987543, 20951326, 27896284, 26383259)

Stanford Center for Inherited Cardiovascular Disease, Stanford University
Classification: Likely benign. Last evaluated: 2016-08-01. Review status: criteria provided, single submitter. Criteria: ACMG Guidelines, 2015. Collection method: provider interpretation. Allele origin: germline.

Laboratory for Molecular Medicine, Mass General Brigham Personalized Medicine
Classification: Likely benign. Last evaluated: 2015-05-20. Review status: criteria provided, single submitter. Criteria: LMM Criteria. Collection method: clinical testing. Allele origin: germline. Observed: 17 variant alleles.
Comment: p.Lys60Asn in exon 3 of NEBL: This variant is not expected to have clinical sign ificance because it has been identified in 0.6% (423/66580) of European chromoso mes by the Exome Aggregation Consortium (ExAC; d bSNP rs41277374).

Ambry Genetics
Classification: Uncertain significance for Cardiovascular phenotype. Last evaluated: 2013-10-04. Review status: criteria provided, single submitter. Criteria: Ambry Autosomal Dominant and X-Linked criteria (10/2015). Collection method: clinical testing. Allele origin: germline. Observed: 1 variant allele.
Comment: The p.K60N variant (also known as c.180G>C) is located in coding exon 3 of theNEBLgene. This alteration results from a G to C substitution at nucleotide position 180. The lysine at codon 60 is replaced by asparagine, an amino acid with some similar properties. Ã¢â‚¬â€¹Ã¢â‚¬â€¹In an initial publication associating NEBLwith dilated cardiomyopathy (DCM), this alteration was identified in a cohort of 260 individuals with DCM and absent in 600 control alleles. This alteration was found to be de novoin a proband with adult onset DCM. Authors subsequently developed a transgenic mouse model, and founder mice with this alteration developed severe heart failure at one year old. Embryos with this alteration did not survive, presenting the possibility of embryonic lethality with the p.K60N alteration(Purevjav E etal. J Am Coll Cardiol. 2010;56(18):1493-1502).However, a later publication denotes that the presence and frequency of this alteration in a large population based database from the Exome Sequencing Project (ESP) creates uncertainty regarding its pathogenicity (Andreasen C etal. Eur J Hum Genet. 2013;21(9):918-928). This variant was previously reported in dbSNP asrs41277374. Based on data from the NHLBI Exome Sequencing Project (ESP), the C-allele has an overall frequency of approximately0.52% (67/12998), having been observed in 0.71% (61/8594) of European American alleles, and in 0.14% (6/4404)of African American alleles studied. Based on data from the 1000 Genomes Project, the C-allele has an overall frequency of approximately0.18% (4/2184). The highest observed frequency was 1.12% (2/178) of Britishchromosomes studied. Based on protein sequence alignment, this amino acid position is highly conserved in available vertebrate species. In addition, this alteration is predicted to be probably damaging and deleterious by PolyPhen and SIFT in silico analyses, respectively.Since supporting evidence for this variant is conflicting and limited at this time, its clinical significance remains unclear.

PreventionGenetics, part of Exact Sciences
Classification: Likely benign for NEBL-related condition. Last evaluated: 2019-03-27. Review status: no assertion criteria provided. Collection method: clinical testing. Allele origin: germline. Not counted in ClinVar's aggregate classification.
Comment: This variant is classified as likely benign based on ACMG/AMP sequence variant interpretation guidelines (Richards et al. 2015 PMID: 25741868, with internal and published modifications).

NM_006393.3(NEBL):c.180G>C (p.Lys60Asn)

Gene: NEBL (nebulette; minus strand). Cytogenetic location: 10p12.31.
Variant type: single nucleotide variant.
Coding change: c.180G>C on transcript NM_006393.3 (MANE Select); coding-DNA position 180, G replaced by C.
Protein change: p.Lys60Asn; replaces lysine 60 with asparagine.
Molecular consequence: missense variant. On other transcripts: intron variant (9).
Genome position (GRCh38, 1-based): chr10:20,889,923, C>G on the plus strand (G>C on the coding strand, the complement: NEBL is on the minus strand). VCF-style: chr10-20889923-C-G. GRCh37 (hg19) VCF-style: chr10-21178852-C-G.
Other names: p.K60N:AAG>AAC; c.249+71749G>C (NM_001377326.1, NM_001377327.1, NM_001377328.1); c.357+71749G>C (NM_213569.2, NM_001173484.2, NM_001377322.1); c.300+71749G>C (NM_001377324.1); c.291+71749G>C (NM_001377325.1); c.309+71749G>C (NM_001377323.1); short protein forms K60N.
Identifiers: ClinVar variation 45486 (VCV000045486.45), dbSNP rs41277374, ClinGen allele CA136411.